The following is an entry in ClinVar:

ClinVar aggregate classification (germline): Likely benign (0 of 4 stars; one submission).

Conditions:
PEX14-related disorder. Also called: PEX14-related condition.

Allele frequency attached by ClinVar (database versions not stated): gnomAD exomes below 0.00001; ExAC 0.00001; ESP Exome Variant Server 0.00008.
gnomAD v4.1: 4 of 1,547,136 alleles (0.00026%); highest among the groups gnomAD compares: Non-Finnish European, 0.00036%; no homozygotes.

Submission:

PreventionGenetics, part of Exact Sciences
Classification: Likely benign for PEX14-related condition. Last evaluated: 2021-10-18. Review status: no assertion criteria provided. Collection method: clinical testing. Allele origin: germline.
Comment: This variant is classified as likely benign based on ACMG/AMP sequence variant interpretation guidelines (Richards et al. 2015 PMID: 25741868, with internal and published modifications).

NM_004565.3(PEX14):c.169+5A>G

Gene: PEX14 (peroxisomal biogenesis factor 14; plus strand). Cytogenetic location: 1p36.22.
Variant type: single nucleotide variant.
Coding change: c.169+5A>G on transcript NM_004565.3 (MANE Select); 5 bases into the intron after coding-DNA position 169, A replaced by G.
Molecular consequence: intron variant.
Genome position (GRCh38, 1-based): chr1:10,536,302, A>G. VCF-style: chr1-10536302-A-G. GRCh37 (hg19) VCF-style: chr1-10596359-A-G.
Identifiers: ClinVar variation 3057735 (VCV003057735.2), dbSNP rs373538655, ClinGen allele CA583727.